The following is an entry in ClinVar:

NM_001111125.3(IQSEC2):c.3877C>T (p.Pro1293Ser)

Gene: IQSEC2 (IQ motif and Sec7 domain ArfGEF 2; minus strand). Cytogenetic location: Xp11.22.
Variant type: single nucleotide variant.
Coding change: c.3877C>T on transcript NM_001111125.3 (MANE Select); coding-DNA position 3877, C replaced by T.
Protein change: p.Pro1293Ser; replaces proline 1293 with serine.
Molecular consequence: missense variant. On other transcripts: 3 prime UTR variant (4), intron variant (2).
Genome position (GRCh38, 1-based): chrX:53,234,809, G>A on the plus strand (C>T on the coding strand, the complement: IQSEC2 is on the minus strand). VCF-style: chrX-53234809-G-A. GRCh37 (hg19) VCF-style: chrX-53263991-G-A.
Other names: c.*362C>T (NM_001410736.1, NM_001441093.1, NM_001441094.1 and 1 more transcripts); c.3451+1513C>T (NM_001441092.1); c.2740+1513C>T (NM_001441095.1); short protein forms P1293S.
Identifiers: ClinVar variation 4282179 (VCV004282179.1).
Genomic context (GRCh38, chrX:53,234,809, plus strand): 5'-CTGAGGCGGGAGGCGGTGGAATGGAGCCCAGCTGGGGCAAGGGTGGGGGCTGCTGGGGAG[G>A]TGGGGGAAGAGAGGGCTGCTGGGGTGGGAGGTAGGGTGGCGGGGCAGGGCCCGGTCCTTG-3'
Protein context (NP_001104595.1, residues 1283-1303): LPPQQPSLPP[Pro1293Ser]PQQPPPLPQL

ClinVar aggregate classification (germline): Uncertain significance (1 of 4 stars; one submission).

Submission:

GeneDx
Classification: Uncertain significance. Last evaluated: 2025-04-16. Review status: criteria provided, single submitter. Criteria: GeneDx Variant Classification Process June 2021. Collection method: clinical testing. Allele origin: germline. Affected: yes.
Comment: Not observed at significant frequency in large population cohorts (gnomAD); In silico analysis indicates that this missense variant does not alter protein structure/function; Has not been previously published as pathogenic or benign to our knowledge